The following is an entry in ClinVar:

NM_000368.5(TSC1):c.121C>T (p.Leu41Phe)

Gene: TSC1 (TSC complex subunit 1; minus strand). Cytogenetic location: 9q34.13.
Variant type: single nucleotide variant.
Coding change: c.121C>T on transcript NM_000368.5 (MANE Select); coding-DNA position 121, C replaced by T.
Protein change: p.Leu41Phe; replaces leucine 41 with phenylalanine.
Molecular consequence: missense variant. On other transcripts: intron variant (1).
Genome position (GRCh38, 1-based): chr9:132,927,290, G>A on the plus strand (C>T on the coding strand, the complement: TSC1 is on the minus strand). VCF-style: chr9-132927290-G-A. GRCh37 (hg19) VCF-style: chr9-135802677-G-A.
Other names: c.121C>T, p.Leu41Phe (NM_001162426.2, NM_001162427.2); c.-154+1477C>T (NM_001362177.2); short protein forms L41F.
Identifiers: ClinVar variation 466012 (VCV000466012.24), dbSNP rs118203334, ClinGen allele CA027330.
Genomic context (GRCh38, chr9:132,927,290, plus strand): 5'-GGATGTGCAATGCCGGCTGAGAGCTGGTTTCCAGGTAATAATCCACCAAGGTGTTTACAA[G>A]CATAGGGCCACGGTCTAAATCAAGAAAAGGGCAATGGATGATACTTATTCCCCTTAACAT-3'
Protein context (NP_000359.1, residues 31-51): ENLNSDRGPM[Leu41Phe]VNTLVDYYLE

ClinVar aggregate classification (germline): Conflicting classifications of pathogenicity. Review status: criteria provided, conflicting classifications (1 of 4 stars). 7 submissions from 7 submitters: Uncertain significance (5); Likely benign (2). Last evaluated 2026-03-19.

Conditions:
Hereditary cancer-predisposing syndrome. Also called: Tumor predisposition; Hereditary neoplastic syndrome; Neoplastic Syndromes, Hereditary; Hereditary Cancer Syndrome. Identifiers: Orphanet 140162, MedGen C0027672, MeSH D009386, MONDO:0015356.
TSC1-related disorder. Also called: TSC1-related condition.
Tuberous sclerosis syndrome (TSC). Also called: Tuberous Sclerosis Complex; Tuberous sclerosis. Identifiers: Orphanet 805, MedGen C0041341, MONDO:0001734.
Tuberous sclerosis 1 (TSC1). Identifiers: Orphanet 805, MedGen C1854465, MONDO:0008612, OMIM 191100.

Allele frequency attached by ClinVar (database versions not stated): ExAC 0.00001; gnomAD exomes below 0.00001; gnomAD 0.00001; TOPMed 0.00002; ESP Exome Variant Server 0.00008.
gnomAD v4.1: 32 of 1,613,730 alleles (0.002%); highest among the groups gnomAD compares: Non-Finnish European, 0.0026%; no homozygotes.

Submissions (7):

Ambry Genetics
Classification: Uncertain significance for Hereditary cancer-predisposing syndrome. Last evaluated: 2026-03-19. Review status: criteria provided, single submitter. Criteria: Ambry Variant Classification Scheme 2023. Collection method: clinical testing. Allele origin: germline.
Comment: The p.L41F variant (also known as c.121C>T), located in coding exon 2 of the TSC1 gene, results from a C to T substitution at nucleotide position 121. The leucine at codon 41 is replaced by phenylalanine, an amino acid with highly similar properties. This variant was detected in individual(s) with no reported features of tuberous sclerosis complex (TSC) (Ambry internal data). This amino acid position is highly conserved in available vertebrate species. In addition, this alteration is predicted to be deleterious by in silico analysis. Based on the available evidence, the clinical significance of this variant remains unclear.

Labcorp Genetics (formerly Invitae), Labcorp
Classification: Likely benign for Tuberous sclerosis 1. Last evaluated: 2026-02-02. Review status: criteria provided, single submitter. Criteria: Invitae Variant Classification Sherloc (09022015). Collection method: clinical testing. Allele origin: germline.

All of Us Research Program, National Institutes of Health
Classification: Uncertain significance for Tuberous sclerosis syndrome. Last evaluated: 2024-09-27. Review status: criteria provided, single submitter. Criteria: ACMG Guidelines, 2015. Collection method: clinical testing. Allele origin: germline. Inheritance: Autosomal dominant inheritance. Observed: 8 variant alleles, 8 heterozygotes.
Comment: This missense variant replaces leucine with phenylalanine at codon 41 of the TSC1 protein. Computational prediction suggests that this variant may have deleterious impact on protein structure and function (internally defined REVEL score threshold >= 0.7, PMID: 27666373). To our knowledge, functional studies have not been reported for this variant. This variant has not been reported in individuals affected with TSC1-related disorders in the literature. This variant has been identified in 1/251120 chromosomes in the general population by the Genome Aggregation Database (gnomAD). The available evidence is insufficient to determine the role of this variant in disease conclusively. Therefore, this variant is classified as a Variant of Uncertain Significance.

This study involves interpretation of variants in research participants for the purpose of population health screening. Participant phenotype was not available at the time of variant classification. Additional details can be found in publication PMID: 35346344, PMCID: PMC8962531

Color Diagnostics, LLC DBA Color Health
Classification: Uncertain significance for Tuberous sclerosis syndrome. Last evaluated: 2024-07-24. Review status: criteria provided, single submitter. Criteria: ACMG Guidelines, 2015. Collection method: clinical testing. Allele origin: germline.
Comment: This missense variant replaces leucine with phenylalanine at codon 41 of the TSC1 protein. Computational prediction suggests that this variant may have deleterious impact on protein structure and function. To our knowledge, functional studies have not been reported for this variant. This variant has not been reported in individuals affected with TSC1-related disorders in the literature. This variant has been identified in 1/251120 chromosomes in the general population by the Genome Aggregation Database (gnomAD). The available evidence is insufficient to determine the role of this variant in disease conclusively. Therefore, this variant is classified as a Variant of Uncertain Significance.

PreventionGenetics, part of Exact Sciences
Classification: Uncertain significance for TSC1-related condition. Last evaluated: 2023-08-28. Review status: criteria provided, single submitter. Criteria: ACMG Guidelines, 2015. Collection method: clinical testing. Allele origin: germline.
Comment: The TSC1 c.121C>T variant is predicted to result in the amino acid substitution p.Leu41Phe. To our knowledge, this variant has not been reported in the literature. This variant is reported in 0.00088% of alleles in individuals of European (Non-Finnish) descent in gnomAD. At this time, the clinical significance of this variant is uncertain due to the absence of conclusive functional and genetic evidence.

Genome-Nilou Lab
Classification: Likely benign for Tuberous sclerosis 1. Last evaluated: 2021-11-07. Review status: criteria provided, single submitter. Criteria: ACMG Guidelines, 2015. Collection method: clinical testing. Allele origin: germline. Affected: no.

Sema4
Classification: Uncertain significance for Hereditary cancer-predisposing syndrome. Last evaluated: 2021-05-06. Review status: criteria provided, single submitter. Criteria: Sema4 Curation Guidelines. Collection method: curation. Allele origin: germline.
Comment: The TSC1 c.121C>T (p.L41F) variant has not been reported in the literature to our knowledge. It was observed in 1/113586 chromosomes in the Non-Finnish European subpopulation in the large and broad cohorts of the Genome Aggregation Database (PMID: 32461654). The variant has been reported in ClinVar (Variation ID: 466012). In silico tools suggest the impact of the variant on protein function is deleterious, though these predictions have not been confirmed by functional studies. The evidence is insufficient to meet ACMG/AMP criteria for classifying the variant as benign or pathogenic. Thus, the clinical significance of this variant is currently uncertain.